The following is an entry in ClinVar:

ClinVar aggregate classification (germline): Pathogenic/Likely pathogenic. Review status: criteria provided, multiple submitters, no conflicts (2 of 4 stars). 5 submissions from 5 submitters: Pathogenic (1); Likely pathogenic (4). Last evaluated 2025-07-21.

Conditions:
TCIRG1-related disorder. Also called: TCIRG1-related condition.
Autosomal recessive osteopetrosis 1. Also called: ALBERS-SCHONBERG DISEASE, AUTOSOMAL RECESSIVE; TCIRG1-Related Osteopetrosis; TCIRG1-Related Autosomal Recessive Osteopetrosis. Identifiers: Orphanet 667, MedGen C1850127, MONDO:0009815, OMIM 259700.

Allele frequency attached by ClinVar (database versions not stated): TOPMed below 0.00001; gnomAD 0.00001.
gnomAD v4.1: 3 of 1,605,726 alleles (0.00019%); highest among the groups gnomAD compares: Non-Finnish European, 0.00026%; no homozygotes.

Submissions (6):

Natera, Inc.
Classification: Pathogenic for Infantile malignant osteopetrosis. Last evaluated: 2025-07-21. Review status: criteria provided, single submitter. Criteria: Natera Variant Classification Schema (03/2026). Collection method: clinical testing. Allele origin: germline.
Comment: The c.1887+1G>A variant in TCIRG1 is a canonical splice donor site variant predicted to affect pre-mRNA splicing, which may result in an abnormal transcript and altered protein product. This variant is expected to result in nonsense mediated decay, truncation, or a dysfunctional protein product. This variant is rare in the general population with a frequency below the threshold expected for the associated phenotype(s). This variant has been observed in one or more individuals affected with the associated recessive disease, as either homozygous or compound heterozygous with a second variant (PMID: 30539151). Given the available evidence, this variant is classified as Pathogenic.

Labcorp Genetics (formerly Invitae), Labcorp
Classification: Likely pathogenic. Last evaluated: 2024-08-12. Review status: criteria provided, single submitter. Criteria: Invitae Variant Classification Sherloc (09022015). Collection method: clinical testing. Allele origin: germline.
Comment: This sequence change affects a donor splice site in intron 15 of the TCIRG1 gene. RNA analysis indicates that disruption of this splice site induces altered splicing and may result in an absent or altered protein product. This variant is not present in population databases (gnomAD no frequency). Disruption of this splice site has been observed in individual(s) with osteopetrosis (PMID: 30431110). This variant is also known as IVS15+1G>A. Studies have shown that disruption of this splice site results in skipping of exon 15, and produces a non-functional protein and/or introduces a premature termination codon (PMID: 30431110). In summary, the currently available evidence indicates that the variant is pathogenic, but additional data are needed to prove that conclusively. Therefore, this variant has been classified as Likely Pathogenic.

Baylor Genetics
Classification: Likely pathogenic for Autosomal recessive osteopetrosis 1. Last evaluated: 2023-08-08. Review status: criteria provided, single submitter. Criteria: ACMG Guidelines, 2015. Collection method: clinical testing. Allele origin: unknown.

Blueprint Genetics
Classification: Likely pathogenic for TCIRG1-related disorders. Last evaluated: 2020-11-23. Review status: criteria provided, single submitter. Criteria: ACMG Guidelines, 2015. Collection method: clinical testing. Allele origin: germline. Affected: yes. Observed: 1 variant allele.

Juno Genomics, Hangzhou Juno Genomics, Inc
Classification: Likely pathogenic for Autosomal recessive osteopetrosis 1. Review status: criteria provided, single submitter. Criteria: ACMG Guidelines, 2015. Collection method: clinical testing. Allele origin: germline.
Comment: Null variant in a gene where loss of function (LOF) is a known mechanism of disease.;Absent from controls (or at extremely low frequency if recessive) in Genome Aggregation Database.

Dr. Peter K. Rogan Lab, Western University
No classification provided (evidence only). Condition: Malignant tumor of esophagus. Review status: no classification provided. Collection method: in vitro. Allele origin: not applicable. Functional consequence: retained intron. Not counted in ClinVar's aggregate classification.

Literature cited by the submitters: PubMed 30539151 (cited by Natera, Inc.); PubMed 30431110 (cited by Labcorp Genetics (formerly Invitae), Labcorp).

NM_006019.4(TCIRG1):c.1887+1G>A

Gene: TCIRG1 (T cell immune regulator 1, ATPase H+ transporting V0 subunit a3; plus strand). Cytogenetic location: 11q13.2.
Variant type: single nucleotide variant.
Coding change: c.1887+1G>A on transcript NM_006019.4 (MANE Select); the canonical splice donor site of the intron after coding-DNA position 1887, G replaced by A.
Molecular consequence: splice donor variant.
Genome position (GRCh38, 1-based): chr11:68,049,295, G>A. VCF-style: chr11-68049295-G-A. GRCh37 (hg19) VCF-style: chr11-67816762-G-A.
Other names: c.1887+1G>A (NM_006019.3); c.993+1G>A (NM_001351059.2); c.1239+1G>A (NM_006053.4).
Identifiers: ClinVar variation 2679112 (VCV002679112.9), dbSNP rs1554999205, ClinGen allele CA381587581.